The following is an entry in ClinVar:

NM_002471.4(MYH6):c.3623A>G (p.Gln1208Arg)

Gene: MYH6 (myosin heavy chain 6; minus strand). Cytogenetic location: 14q11.2.
Variant type: single nucleotide variant.
Coding change: c.3623A>G on transcript NM_002471.4 (MANE Select); coding-DNA position 3623, A replaced by G.
Protein change: p.Gln1208Arg; replaces glutamine 1208 with arginine.
Molecular consequence: missense variant.
Genome position (GRCh38, 1-based): chr14:23,390,166, T>C on the plus strand (A>G on the coding strand, the complement: MYH6 is on the minus strand). VCF-style: chr14-23390166-T-C. GRCh37 (hg19) VCF-style: chr14-23859375-T-C.
Other names: short protein forms Q1208R.
Identifiers: ClinVar variation 1804214 (VCV001804214.2), dbSNP rs2502159362, ClinGen allele CA389005690.

ClinVar aggregate classification (germline): Uncertain significance (1 of 4 stars; one submission).

Submission:

GeneDx
Classification: Uncertain significance. Last evaluated: 2026-05-26. Review status: criteria provided, single submitter. Criteria: GeneDx Variant Classification Process June 2021. Collection method: clinical testing. Allele origin: germline.
Comment: Not observed at significant frequency in large population cohorts (gnomAD); In silico analysis supports that this missense variant has a deleterious effect on protein structure/function; Has not been previously published as pathogenic or benign to our knowledge